The following is an entry in ClinVar:

ClinVar aggregate classification (germline): Uncertain significance (1 of 4 stars; one submission).

Allele frequency attached by ClinVar (database versions not stated): TOPMed below 0.00001; gnomAD exomes 0.00001.
gnomAD v4.1: 3 of 1,551,190 alleles (0.00019%); highest among the groups gnomAD compares: Non-Finnish European, 0.00026%; no homozygotes.

Submission:

Labcorp Genetics (formerly Invitae), Labcorp
Classification: Uncertain significance. Last evaluated: 2021-08-24. Review status: criteria provided, single submitter. Criteria: Invitae Variant Classification Sherloc (09022015). Collection method: clinical testing. Allele origin: germline.
Comment: This sequence change replaces tyrosine with cysteine at codon 3059 of the EYS protein (p.Tyr3059Cys). The tyrosine residue is highly conserved and there is a large physicochemical difference between tyrosine and cysteine. This variant is not present in population databases (ExAC no frequency). This variant has not been reported in the literature in individuals affected with EYS-related conditions. Algorithms developed to predict the effect of missense changes on protein structure and function are either unavailable or do not agree on the potential impact of this missense change (SIFT: "Deleterious"; PolyPhen-2: "Probably Damaging"; Align-GVGD: "Class C0"). In summary, the available evidence is currently insufficient to determine the role of this variant in disease. Therefore, it has been classified as a Variant of Uncertain Significance.

NM_001142800.2(EYS):c.9176A>G (p.Tyr3059Cys)

Genes: EYS (eyes shut homolog; minus strand), PHF3 (PHD finger protein 3; plus strand). Cytogenetic location: 6q12.
Variant type: single nucleotide variant.
Coding change: c.9176A>G on transcript NM_001142800.2 (MANE Select); coding-DNA position 9176, A replaced by G.
Protein change: p.Tyr3059Cys; replaces tyrosine 3059 with cysteine.
Molecular consequence: missense variant. On other transcripts: 3 prime UTR variant (5).
Genome position (GRCh38, 1-based): chr6:63,720,855, T>C on the plus strand (A>G on the coding strand, the complement: EYS is on the minus strand). VCF-style: chr6-63720855-T-C. GRCh37 (hg19) VCF-style: chr6-64430751-T-C.
Other names: c.9239A>G, p.Tyr3080Cys (NM_001292009.2); c.*7147T>C (NM_001290259.2, NM_001370348.2, NM_001370349.2 and 2 more transcripts); short protein forms Y3080C, Y3059C.
Identifiers: ClinVar variation 1420794 (VCV001420794.5), dbSNP rs1404877416, ClinGen allele CA364383081.